The following is an entry in ClinVar:

NM_007194.4(CHEK2):c.1207G>A (p.Gly403Arg)

Gene: CHEK2 (checkpoint kinase 2; minus strand). Cytogenetic location: 22q12.1.
Variant type: single nucleotide variant.
Coding change: c.1207G>A on transcript NM_007194.4 (MANE Select); coding-DNA position 1207, G replaced by A.
Protein change: p.Gly403Arg; replaces glycine 403 with arginine.
Molecular consequence: missense variant.
Genome position (GRCh38, 1-based): chr22:28,695,762, C>T on the plus strand (G>A on the coding strand, the complement: CHEK2 is on the minus strand). VCF-style: chr22-28695762-C-T. GRCh37 (hg19) VCF-style: chr22-29091750-C-T.
Other names: c.1336G>A, p.Gly446Arg (NM_001005735.3); c.544G>A, p.Gly182Arg (NM_001257387.3); c.1006G>A, p.Gly336Arg (NM_001349956.3); c.1120G>A, p.Gly374Arg (NM_145862.3); short protein forms G374R, G403R, G336R, G182R, G446R.
Identifiers: ClinVar variation 818585 (VCV000818585.16), dbSNP rs1601722357, ClinGen allele CA411096750.

ClinVar aggregate classification (germline): Uncertain significance. Review status: criteria provided, multiple submitters, no conflicts (2 of 4 stars). 3 submissions from 3 submitters: Uncertain significance (3). Last evaluated 2024-11-27.

Conditions:
Hereditary cancer-predisposing syndrome. Also called: Tumor predisposition; Hereditary neoplastic syndrome; Neoplastic Syndromes, Hereditary; Hereditary Cancer Syndrome. Identifiers: Orphanet 140162, MedGen C0027672, MeSH D009386, MONDO:0015356.
CHEK2-related cancer predisposition (TPDS4). Also called: CHEK2-related cancer susceptibility; TUMOR PREDISPOSITION SYNDROME 4; CANCER PREDISPOSITION SYNDROME, CHEK2-RELATED. Identifiers: Orphanet 524, MedGen C5882668, MONDO:0700271, OMIM 609265.
Familial cancer of breast. Also called: hereditary breast carcinoma; Hereditary breast cancer; BREAST CANCER, FAMILIAL. Identifiers: Orphanet 227535, MedGen C0346153, MONDO:0016419, OMIM 114480. Disease mechanism: loss of function.

Submissions (3):

Labcorp Genetics (formerly Invitae), Labcorp
Classification: Uncertain significance for Familial cancer of breast. Last evaluated: 2024-11-27. Review status: criteria provided, single submitter. Criteria: Invitae Variant Classification Sherloc (09022015). Collection method: clinical testing. Allele origin: germline.
Comment: This sequence change replaces glycine, which is neutral and non-polar, with arginine, which is basic and polar, at codon 403 of the CHEK2 protein (p.Gly403Arg). This variant is not present in population databases (gnomAD no frequency). This variant has not been reported in the literature in individuals affected with CHEK2-related conditions. ClinVar contains an entry for this variant (Variation ID: 818585). An algorithm developed to predict the effect of missense changes on protein structure and function (PolyPhen-2) suggests that this variant is likely to be disruptive. In summary, the available evidence is currently insufficient to determine the role of this variant in disease. Therefore, it has been classified as a Variant of Uncertain Significance.

Ambry Genetics
Classification: Uncertain significance for Hereditary cancer-predisposing syndrome. Last evaluated: 2023-10-04. Review status: criteria provided, single submitter. Criteria: Ambry Variant Classification Scheme 2023. Collection method: clinical testing. Allele origin: germline.
Comment: The p.G403R variant (also known as c.1207G>A), located in coding exon 10 of the CHEK2 gene, results from a G to A substitution at nucleotide position 1207. The glycine at codon 403 is replaced by arginine, an amino acid with dissimilar properties. This amino acid position is highly conserved in available vertebrate species. In addition, this alteration is predicted to be deleterious by in silico analysis. Since supporting evidence is limited at this time, the clinical significance of this alteration remains unclear.

Department of Pathology and Laboratory Medicine, Sinai Health System
Classification: Uncertain significance for CHEK2-related cancer predisposition. Last evaluated: 2023-09-11. Review status: criteria provided, single submitter. Criteria: ACMG Guidelines, 2015. Collection method: clinical testing. Allele origin: germline. Affected: yes.